The following is an entry in ClinVar:

NM_004855.5(PIGB):c.303T>G (p.Tyr101Ter)

Gene: PIGB (phosphatidylinositol glycan anchor biosynthesis class B; plus strand). Cytogenetic location: 15q21.3.
Variant type: single nucleotide variant.
Coding change: c.303T>G on transcript NM_004855.5 (MANE Select); coding-DNA position 303, T replaced by G.
Protein change: p.Tyr101Ter; replaces tyrosine 101 with a stop codon.
Molecular consequence: nonsense.
Genome position (GRCh38, 1-based): chr15:55,321,276, T>G. VCF-style: chr15-55321276-T-G. GRCh37 (hg19) VCF-style: chr15-55613474-T-G.
Other names: short protein forms Y101*.
Identifiers: ClinVar variation 2797321 (VCV002797321.3), dbSNP rs979067591, ClinGen allele CA392541482.

ClinVar aggregate classification (germline): Pathogenic (1 of 4 stars; one submission).

Allele frequency attached by ClinVar (database versions not stated): gnomAD exomes below 0.00001.
gnomAD v4.1: 1 of 1,598,566 alleles (0.000063%); highest among the groups gnomAD compares: Non-Finnish European, 0.000085%; no homozygotes.

Submission:

Labcorp Genetics (formerly Invitae), Labcorp
Classification: Pathogenic. Last evaluated: 2023-06-16. Review status: criteria provided, single submitter. Criteria: Invitae Variant Classification Sherloc (09022015). Collection method: clinical testing. Allele origin: germline.
Comment: For these reasons, this variant has been classified as Pathogenic. This variant has not been reported in the literature in individuals affected with PIGB-related conditions. This variant is not present in population databases (gnomAD no frequency). This sequence change creates a premature translational stop signal (p.Tyr101*) in the PIGB gene. It is expected to result in an absent or disrupted protein product. Loss-of-function variants in PIGB are known to be pathogenic (PMID: 31256876, 34400385).

Literature cited by the submitters: PubMed 31256876; PubMed 34400385.